The following is an entry in ClinVar:

NM_145059.3(FCSK):c.138C>A (p.Ala46=)

Gene: FCSK (fucose kinase; plus strand). Cytogenetic location: 16q22.1.
Variant type: single nucleotide variant.
Coding change: c.138C>A on transcript NM_145059.3 (MANE Select); coding-DNA position 138, C replaced by A.
Protein change: p.Ala46=; no amino-acid change (alanine 46 retained).
Molecular consequence: synonymous variant.
Genome position (GRCh38, 1-based): chr16:70,463,678, C>A. VCF-style: chr16-70463678-C-A. GRCh37 (hg19) VCF-style: chr16-70497581-C-A.
Other names: c.138C>A (NM_145059.2).
Identifiers: ClinVar variation 1682342 (VCV001682342.10), dbSNP rs60470914, ClinGen allele CA8142743.

ClinVar aggregate classification (germline): Benign. Review status: criteria provided, multiple submitters, no conflicts (2 of 4 stars). 3 submissions from 3 submitters: Benign (2). 1 of the submissions does not count toward it. Last evaluated 2026-02-01.

Conditions:
FCSK-related disorder. Also called: FCSK-related condition.

Allele frequency attached by ClinVar (database versions not stated): gnomAD exomes 0.01005; ExAC 0.01259; ESP Exome Variant Server 0.04369; 1000 Genomes Project 30x 0.05028; 1000 Genomes Project 0.04852.

Submissions (3):

Labcorp Genetics (formerly Invitae), Labcorp
Classification: Benign. Last evaluated: 2026-02-01. Review status: criteria provided, single submitter. Criteria: Invitae Variant Classification Sherloc (09022015). Collection method: clinical testing. Allele origin: germline.

Breakthrough Genomics
Classification: Benign. Review status: criteria provided, single submitter. Criteria: ACMG Guidelines, 2015. Collection method: not provided. Allele origin: germline. Inheritance: Autosomal recessive inheritance. Affected: yes.

PreventionGenetics, part of Exact Sciences
Classification: Benign for FCSK-related condition. Last evaluated: 2024-03-26. Review status: no assertion criteria provided. Collection method: clinical testing. Allele origin: germline. Not counted in ClinVar's aggregate classification.
Comment: This variant is classified as benign based on ACMG/AMP sequence variant interpretation guidelines (Richards et al. 2015 PMID: 25741868, with internal and published modifications).